The following is an entry in ClinVar:

ClinVar aggregate classification (germline): Likely benign (1 of 4 stars; one submission).

gnomAD v4.1: 1 of 1,614,216 alleles (0.000062%); highest among the groups gnomAD compares: Non-Finnish European, 0.000085%; no homozygotes.

Submission:

CeGaT Center for Human Genetics Tuebingen
Classification: Likely benign. Last evaluated: 2023-02-01. Review status: criteria provided, single submitter. Criteria: CeGaT Center For Human Genetics Tuebingen Variant Classification Criteria Version 2. Collection method: clinical testing. Allele origin: germline. Affected: yes. Observed: 1 variant allele.
Comment: TSHZ2: PM2:Supporting, BP4, BP7

NM_173485.6(TSHZ2):c.1776A>G (p.Thr592=)

Gene: TSHZ2 (teashirt zinc finger homeobox 2; plus strand). Cytogenetic location: 20q13.2.
Variant type: single nucleotide variant.
Coding change: c.1776A>G on transcript NM_173485.6 (MANE Select); coding-DNA position 1776, A replaced by G.
Protein change: p.Thr592=; no amino-acid change (threonine 592 retained).
Molecular consequence: synonymous variant.
Genome position (GRCh38, 1-based): chr20:53,255,234, A>G. VCF-style: chr20-53255234-A-G. GRCh37 (hg19) VCF-style: chr20-51871773-A-G.
Other names: c.1767A>G, p.Thr589= (NM_001193421.2).
Identifiers: ClinVar variation 2652416 (VCV002652416.24), dbSNP rs1404898083, ClinGen allele CA511029567.